The following is an entry in ClinVar:

NM_001160372.4(TRAPPC9):c.2923G>A (p.Gly975Ser)

Gene: TRAPPC9 (trafficking protein particle complex subunit 9; minus strand). Cytogenetic location: 8q24.3.
Variant type: single nucleotide variant.
Coding change: c.2923G>A on transcript NM_001160372.4 (MANE Select); coding-DNA position 2923, G replaced by A.
Protein change: p.Gly975Ser; replaces glycine 975 with serine.
Molecular consequence: missense variant. On other transcripts: non-coding transcript variant (1).
Genome position (GRCh38, 1-based): chr8:139,910,188, C>T on the plus strand (G>A on the coding strand, the complement: TRAPPC9 is on the minus strand). VCF-style: chr8-139910188-C-T. GRCh37 (hg19) VCF-style: chr8-140922432-C-T.
Other names: c.3217G>A (NM_031466.5); c.2896G>A, p.Gly966Ser (NM_001321646.2); c.2944G>A, p.Gly982Ser (NM_001374682.1); c.2812G>A, p.Gly938Ser (NM_001374683.1); c.2779G>A, p.Gly927Ser (NM_001374684.1); c.2923G>A, p.Gly975Ser (NM_031466.8); short protein forms G966S, G938S, G975S, G927S, G982S.
Identifiers: ClinVar variation 1959643 (VCV001959643.7), dbSNP rs775769861, ClinGen allele CA4892875.

ClinVar aggregate classification (germline): Uncertain significance. Review status: criteria provided, multiple submitters, no conflicts (2 of 4 stars). 3 submissions from 3 submitters: Uncertain significance (3). Last evaluated 2026-06-29.

Conditions:
Inborn genetic diseases. Identifiers: MedGen C0950123, MeSH D030342.

Allele frequency attached by ClinVar (database versions not stated): gnomAD 0.00001; ExAC 0.00001; TOPMed 0.00002.
gnomAD v4.1: 10 of 1,614,074 alleles (0.00062%); highest among the groups gnomAD compares: Middle Eastern, 0.016%; no homozygotes.

Submissions (3):

Ambry Genetics
Classification: Uncertain significance for Inborn genetic diseases. Last evaluated: 2026-06-29. Review status: criteria provided, single submitter. Criteria: Ambry Variant Classification Scheme 2023. Collection method: clinical testing. Allele origin: germline.
Comment: The c.3217G>A (p.G1073S) alteration is located in exon 20 (coding exon 20) of the TRAPPC9 gene. This alteration results from a G to A substitution at nucleotide position 3217, causing the glycine (G) at amino acid position 1073 to be replaced by a serine (S). Based on data from gnomAD, the A allele has an overall frequency of 0.001% (3/250888) total alleles studied. The highest observed frequency was 0.003% (3/113190) of European (non-Finnish) alleles. Based on insufficient or conflicting evidence, the clinical significance of this alteration remains unclear.

GeneDx
Classification: Uncertain significance. Last evaluated: 2022-11-21. Review status: criteria provided, single submitter. Criteria: GeneDx Variant Classification Process June 2021. Collection method: clinical testing. Allele origin: germline. Affected: yes.
Comment: Not observed at significant frequency in large population cohorts (gnomAD); In silico analysis supports that this missense variant does not alter protein structure/function; Has not been previously published as pathogenic or benign to our knowledge

Labcorp Genetics (formerly Invitae), Labcorp
Classification: Uncertain significance. Last evaluated: 2022-05-20. Review status: criteria provided, single submitter. Criteria: Invitae Variant Classification Sherloc (09022015). Collection method: clinical testing. Allele origin: germline.
Comment: In summary, the available evidence is currently insufficient to determine the role of this variant in disease. Therefore, it has been classified as a Variant of Uncertain Significance. Algorithms developed to predict the effect of missense changes on protein structure and function output the following: SIFT: "Not Available"; PolyPhen-2: "Probably Damaging"; Align-GVGD: "Not Available". The serine amino acid residue is found in multiple mammalian species, which suggests that this missense change does not adversely affect protein function. This variant has not been reported in the literature in individuals affected with TRAPPC9-related conditions. This variant is present in population databases (rs775769861, gnomAD 0.003%). This sequence change replaces glycine, which is neutral and non-polar, with serine, which is neutral and polar, at codon 1073 of the TRAPPC9 protein (p.Gly1073Ser).